The following is an entry in ClinVar:

ClinVar aggregate classification (germline): Uncertain significance (1 of 4 stars; one submission).

Conditions:
Duchenne muscular dystrophy (DMD). Also called: MUSCULAR DYSTROPHY, PSEUDOHYPERTROPHIC PROGRESSIVE, DUCHENNE TYPE; Duchenne Muscular Dystrophy (DMD). Identifiers: Orphanet 98896, MedGen C0013264, MONDO:0010679, OMIM 310200.

gnomAD v4.1: 1 of 1,208,499 alleles (0.000083%); highest among the groups gnomAD compares: Non-Finnish European, 0.00011%; no homozygotes.

Submission:

Labcorp Genetics (formerly Invitae), Labcorp
Classification: Uncertain significance for Duchenne muscular dystrophy. Last evaluated: 2024-06-30. Review status: criteria provided, single submitter. Criteria: Invitae Variant Classification Sherloc (09022015). Collection method: clinical testing. Allele origin: germline.
Comment: This sequence change replaces glutamic acid, which is acidic and polar, with aspartic acid, which is acidic and polar, at codon 2035 of the DMD protein (p.Glu2035Asp). This variant is not present in population databases (gnomAD no frequency). This variant has not been reported in the literature in individuals affected with DMD-related conditions. Advanced modeling of protein sequence and biophysical properties (such as structural, functional, and spatial information, amino acid conservation, physicochemical variation, residue mobility, and thermodynamic stability) performed at Invitae indicates that this missense variant is not expected to disrupt DMD protein function with a negative predictive value of 95%. In summary, the available evidence is currently insufficient to determine the role of this variant in disease. Therefore, it has been classified as a Variant of Uncertain Significance.

NM_004006.3(DMD):c.6105G>T (p.Glu2035Asp)

Gene: DMD (dystrophin; minus strand). Cytogenetic location: Xp21.1.
Variant type: single nucleotide variant.
Coding change: c.6105G>T on transcript NM_004006.3 (MANE Select); coding-DNA position 6105, G replaced by T.
Protein change: p.Glu2035Asp; replaces glutamic acid 2035 with aspartic acid.
Molecular consequence: missense variant.
Genome position (GRCh38, 1-based): chrX:32,310,094, C>A on the plus strand (G>T on the coding strand, the complement: DMD is on the minus strand). VCF-style: chrX-32310094-C-A. GRCh37 (hg19) VCF-style: chrX-32328211-C-A.
Other names: c.6081G>T, p.Glu2027Asp (NM_000109.4); c.6093G>T, p.Glu2031Asp (NM_004009.3); c.5736G>T, p.Glu1912Asp (NM_004010.3); c.2082G>T, p.Glu694Asp (NM_004011.4); c.2073G>T, p.Glu691Asp (NM_004012.4); short protein forms E1912D, E2031D, E2027D, E2035D, E691D, E694D.
Identifiers: ClinVar variation 3667032 (VCV003667032.2).